The following is an entry in ClinVar:

ClinVar aggregate classification (germline): Uncertain significance (1 of 4 stars; one submission).

Allele frequency attached by ClinVar (database versions not stated): gnomAD exomes below 0.00001.

Submission:

Labcorp Genetics (formerly Invitae), Labcorp
Classification: Uncertain significance. Last evaluated: 2023-07-13. Review status: criteria provided, single submitter. Criteria: Invitae Variant Classification Sherloc (09022015). Collection method: clinical testing. Allele origin: germline.
Comment: In summary, the available evidence is currently insufficient to determine the role of this variant in disease. Therefore, it has been classified as a Variant of Uncertain Significance. Variants that disrupt the consensus splice site are a relatively common cause of aberrant splicing (PMID: 17576681, 9536098). Algorithms developed to predict the effect of sequence changes on RNA splicing suggest that this variant may create or strengthen a splice site. This variant has not been reported in the literature in individuals affected with COL11A2-related conditions. This variant is present in population databases (no rsID available, gnomAD 0.03%). This sequence change falls in intron 47 of the COL11A2 gene. It does not directly change the encoded amino acid sequence of the COL11A2 protein. It affects a nucleotide within the consensus splice site.

Literature cited by the submitters: PubMed 17576681; PubMed 9536098.

NM_080680.3(COL11A2):c.3529-3_3529-2insG

Gene: COL11A2 (collagen type XI alpha 2 chain; minus strand). Cytogenetic location: 6p21.32.
Variant type: Insertion.
Coding change: c.3529-3_3529-2insG on transcript NM_080680.3 (MANE Select); 3 bases into the intron before coding-DNA position 3529 through the canonical splice acceptor site of the intron before coding-DNA position 3529, G inserted.
Molecular consequence: intron variant.
Genome position: GRCh38 VCF-style: chr6-33170381-T-TC. GRCh37 (hg19) VCF-style: chr6-33138158-T-TC.
Other names: c.2503-3_2503-2insG (NM_001424111.1, NM_001424110.1); c.3208-3_3208-2insG (NM_080679.3); c.3271-3_3271-2insG (NM_080681.3); c.3349-3_3349-2insG (NM_001424108.1); c.2683-3_2683-2insG (NM_001424109.1); c.1483-3_1483-2insG (NM_001424112.1).
Identifiers: ClinVar variation 2840318 (VCV002840318.2), dbSNP rs1186263966, ClinGen allele CA566427609.